The following is an entry in ClinVar:

ClinVar aggregate classification (germline): Uncertain significance (1 of 4 stars; one submission).

Submission:

GeneDx
Classification: Uncertain significance. Last evaluated: 2025-05-22. Review status: criteria provided, single submitter. Criteria: GeneDx Variant Classification Process June 2021. Collection method: clinical testing. Allele origin: germline. Affected: yes.
Comment: Not observed at significant frequency in large population cohorts (gnomAD); In silico analysis supports that this missense variant has a deleterious effect on protein structure/function; Has not been previously published as pathogenic or benign to our knowledge

NM_024496.4(IRF2BPL):c.1513C>G (p.Pro505Ala)

Gene: IRF2BPL (interferon regulatory factor 2 binding protein like; minus strand). Cytogenetic location: 14q24.3.
Variant type: single nucleotide variant.
Coding change: c.1513C>G on transcript NM_024496.4 (MANE Select); coding-DNA position 1513, C replaced by G.
Protein change: p.Pro505Ala; replaces proline 505 with alanine.
Molecular consequence: missense variant.
Genome position (GRCh38, 1-based): chr14:77,026,280, G>C on the plus strand (C>G on the coding strand, the complement: IRF2BPL is on the minus strand). VCF-style: chr14-77026280-G-C. GRCh37 (hg19) VCF-style: chr14-77492623-G-C.
Other names: short protein forms P505A.
Identifiers: ClinVar variation 4530723 (VCV004530723.1).